The following is an entry in ClinVar:

ClinVar aggregate classification (germline): Conflicting classifications of pathogenicity. Review status: criteria provided, conflicting classifications (1 of 4 stars). 2 submissions from 2 submitters: Uncertain significance (1); Likely benign (1). Last evaluated 2025-06-18.

gnomAD v4.1: 1 of 1,613,466 alleles (0.000062%); highest among the groups gnomAD compares: African/African-American, 0.0013%; no homozygotes.

Submissions (2):

Labcorp Genetics (formerly Invitae), Labcorp
Classification: Uncertain significance. Last evaluated: 2025-06-18. Review status: criteria provided, single submitter. Criteria: Invitae Variant Classification Sherloc (09022015). Collection method: clinical testing. Allele origin: germline.
Comment: This sequence change replaces leucine, which is neutral and non-polar, with phenylalanine, which is neutral and non-polar, at codon 744 of the GEN1 protein (p.Leu744Phe). This variant is present in population databases (no rsID available, gnomAD 0.01%). This variant has not been reported in the literature in individuals affected with GEN1-related conditions. ClinVar contains an entry for this variant (Variation ID: 3519698). An algorithm developed to predict the effect of missense changes on protein structure and function outputs the following: PolyPhen-2: "Benign". The phenylalanine amino acid residue is found in multiple mammalian species, which suggests that this missense change does not adversely affect protein function. In summary, the available evidence is currently insufficient to determine the role of this variant in disease. Therefore, it has been classified as a Variant of Uncertain Significance.

Ambry Genetics
Classification: Likely benign. Last evaluated: 2024-10-04. Review status: criteria provided, single submitter. Criteria: Ambry Variant Classification Scheme 2023. Collection method: clinical testing. Allele origin: germline.

NM_001130009.3(GEN1):c.2230C>T (p.Leu744Phe)

Gene: GEN1 (GEN1 structure-specific endonuclease; plus strand). Cytogenetic location: 2p24.2.
Variant type: single nucleotide variant.
Coding change: c.2230C>T on transcript NM_001130009.3 (MANE Select); coding-DNA position 2230, C replaced by T.
Protein change: p.Leu744Phe; replaces leucine 744 with phenylalanine.
Molecular consequence: missense variant.
Genome position (GRCh38, 1-based): chr2:17,781,442, C>T. VCF-style: chr2-17781442-C-T. GRCh37 (hg19) VCF-style: chr2-17962709-C-T.
Other names: c.2230C>T, p.Leu744Phe (NM_182625.5); short protein forms L744F.
Identifiers: ClinVar variation 3519698 (VCV003519698.2).
Genomic context (GRCh38, chr2:17,781,442, plus strand): 5'-CCAGGAATTCCCTTGCAAAATGAATCCAGAGACTCTAAAATTCTAAAAGGAGACCAGCTG[C>T]TTCAAGAAGACTATAAAGTCAATACTTCTGTCCCTTATTCTGTCAGTAACACAGTGGTAA-3'
Protein context (NP_001123481.3, residues 734-754): DSKILKGDQL[Leu744Phe]QEDYKVNTSV